The following is an entry in ClinVar:

ClinVar aggregate classification (germline): Pathogenic (1 of 4 stars; one submission).

Submission:

Labcorp Genetics (formerly Invitae), Labcorp
Classification: Pathogenic. Last evaluated: 2022-04-14. Review status: criteria provided, single submitter. Criteria: Invitae Variant Classification Sherloc (09022015). Collection method: clinical testing. Allele origin: germline.
Comment: This sequence change creates a premature translational stop signal (p.Asn1199Lysfs*27) in the LRPPRC gene. It is expected to result in an absent or disrupted protein product. Loss-of-function variants in LRPPRC are known to be pathogenic (PMID: 26510951). This variant is not present in population databases (gnomAD no frequency). For these reasons, this variant has been classified as Pathogenic. This variant has not been reported in the literature in individuals affected with LRPPRC-related conditions.

Literature cited by the submitters: PubMed 26510951.

NM_133259.4(LRPPRC):c.3597del (p.Asn1199fs)

Gene: LRPPRC (leucine rich pentatricopeptide repeat containing; minus strand). Cytogenetic location: 2p21.
Variant type: Deletion.
Coding change: c.3597del on transcript NM_133259.4 (MANE Select); coding-DNA position 3597, one base deleted (C; older notation c.3597delC).
Protein change: p.Asn1199fs; shifts the reading frame from asparagine 1199.
Molecular consequence: frameshift variant.
Genome position (GRCh38, 1-based): chr2:43,899,578, G deleted on the plus strand (C on the coding strand, the reverse complement: LRPPRC is on the minus strand). VCF-style (leftmost placement, unchanged base first): chr2-43899577-TG-T. GRCh37 (hg19) VCF-style: chr2-44126716-TG-T.
Other names: short protein forms N1199fs.
Identifiers: ClinVar variation 1451599 (VCV001451599.6), dbSNP rs2104990067, ClinGen allele CA2573134638.
Genomic context (GRCh38, chr2:43,899,577, plus strand): 5'-ATGCCAAGCCGAAGTATTGGGGTTCAATGACTTTATTCTCTGAAGTAAGCATATTTTCAA[TG>T]TTTTCTATTGCGGCATCTATGTTATTACTGTTAAAAGCAAAATAAATTACTTAAAAATTT-3'